The following is an entry in ClinVar:

NM_021267.5(CERS1):c.177G>C (p.Glu59Asp)

Genes: CERS1 (ceramide synthase 1; minus strand), GDF1 (growth differentiation factor 1; minus strand). Cytogenetic location: 19p13.11.
Variant type: single nucleotide variant.
Coding change: c.177G>C on transcript NM_021267.5 (MANE Select); coding-DNA position 177, G replaced by C.
Protein change: p.Glu59Asp; replaces glutamic acid 59 with aspartic acid.
Molecular consequence: missense variant. On other transcripts: 5 prime UTR variant (4), intron variant (3).
Genome position (GRCh38, 1-based): chr19:18,895,896, C>G on the plus strand (G>C on the coding strand, the complement: CERS1 is on the minus strand). VCF-style: chr19-18895896-C-G. GRCh37 (hg19) VCF-style: chr19-19006705-C-G.
Other names: c.177G>C, p.Glu59Asp (NM_001387439.1, NM_001387440.1, NM_001387441.1 and 1 more transcripts); c.-352G>C (NM_001387444.1); c.-299G>C (NM_001387445.1); c.-726G>C (NM_001387438.1); c.-1146G>C (NM_001492.6); c.-46+830G>C (NM_001387443.1); c.-46+665G>C (NM_001387442.1, NM_001290265.2); short protein forms E59D.
Identifiers: ClinVar variation 950487 (VCV000950487.9), dbSNP rs2056614444, ClinGen allele CA404868409.

ClinVar aggregate classification (germline): Uncertain significance (1 of 4 stars; one submission).

Conditions:
Progressive myoclonic epilepsy type 8. Identifiers: Orphanet 424027, MedGen C5190825, MONDO:0014545, OMIM 616230.

Submission:

Labcorp Genetics (formerly Invitae), Labcorp
Classification: Uncertain significance for Progressive myoclonic epilepsy type 8. Last evaluated: 2020-03-05. Review status: criteria provided, single submitter. Criteria: Invitae Variant Classification Sherloc (09022015). Collection method: clinical testing. Allele origin: germline.
Comment: This sequence change replaces glutamic acid with aspartic acid at codon 59 of the CERS1 protein (p.Glu59Asp). The glutamic acid residue is moderately conserved and there is a small physicochemical difference between glutamic acid and aspartic acid. The frequency data for this variant in the population databases is considered unreliable, as metrics indicate insufficient coverage at this position in the ExAC database. This variant has not been reported in the literature in individuals with CERS1-related conditions. Algorithms developed to predict the effect of missense changes on protein structure and function are either unavailable or do not agree on the potential impact of this missense change (SIFT: "Tolerated"; PolyPhen-2: "Probably Damaging"; Align-GVGD: "Class C0"). In summary, the available evidence is currently insufficient to determine the role of this variant in disease. Therefore, it has been classified as a Variant of Uncertain Significance.